The following is an entry in ClinVar:

NM_002691.4(POLD1):c.1384-18_1384-11dup

Gene: POLD1 (DNA polymerase delta 1, catalytic subunit; plus strand). Cytogenetic location: 19q13.33.
Variant type: Duplication.
Coding change: c.1384-18_1384-11dup on transcript NM_002691.4 (MANE Select); 18 bases into the intron before coding-DNA position 1384 through 11 bases into the intron before coding-DNA position 1384, 8 bases duplicated (GCCCACCC; older notation c.1384-18_1384-11dupGCCCACCC).
Molecular consequence: intron variant.
Genome position (GRCh38, 1-based): chr19:50,406,389-50,406,396, GCCCACCC duplicated. VCF-style (leftmost placement, unchanged base first): chr19-50406388-A-AGCCCACCC. GRCh37 (hg19) VCF-style: chr19-50909645-A-AGCCCACCC.
Other names: c.1384-18_1384-11dup (NM_001256849.1, NM_001308632.1).
Identifiers: ClinVar variation 3904274 (VCV003904274.1).

ClinVar aggregate classification (germline): Likely benign (1 of 4 stars; one submission).

Conditions:
POLD1-related polyposis and colorectal cancer syndrome (CRCS10). Also called: Colorectal cancer 10; COLORECTAL CANCER, SUSCEPTIBILITY TO, ON CHROMOSOME 19q; Colorectal cancer, susceptibility to, 10. Identifiers: Orphanet 220460, MedGen C2675481, MONDO:0012953, OMIM 612591.

Submission:

Myriad Genetics, Inc.
Classification: Likely benign for POLD1-related polyposis and colorectal cancer syndrome. Last evaluated: 2025-02-06. Review status: criteria provided, single submitter. Criteria: Myriad Autosomal Dominant, Autosomal Recessive and X-Linked Classification Criteria (2023). Collection method: clinical testing. Allele origin: unknown.
Comment: This variant is considered likely benign. This variant is intronic and is not expected to impact mRNA splicing.